The following is an entry in ClinVar:

NM_004984.4(KIF5A):c.1618A>G (p.Ser540Gly)

Gene: KIF5A (kinesin family member 5A; plus strand). Cytogenetic location: 12q13.3.
Variant type: single nucleotide variant.
Coding change: c.1618A>G on transcript NM_004984.4 (MANE Select); coding-DNA position 1618, A replaced by G.
Protein change: p.Ser540Gly; replaces serine 540 with glycine.
Molecular consequence: missense variant.
Genome position (GRCh38, 1-based): chr12:57,572,628, A>G. VCF-style: chr12-57572628-A-G. GRCh37 (hg19) VCF-style: chr12-57966411-A-G.
Other names: c.1351A>G, p.Ser451Gly (NM_001354705.2); short protein forms S540G, S451G.
Identifiers: ClinVar variation 1382559 (VCV001382559.6), dbSNP rs1882291000, ClinGen allele CA385507698.
Genomic context (GRCh38, chr12:57,572,628, plus strand): 5'-GGCTGTCCCCAGGCCACCATGCTGTCCCTGGAGTCTGAGTTGCAGCGGCTACAGGAGGTC[A>G]GTGGACACCAGCGAAAACGAATTGCTGAGGTGCTGAACGGGCTGATGAAGGATCTGAGCG-3'
Protein context (NP_004975.2, residues 530-550): ESELQRLQEV[Ser540Gly]GHQRKRIAEV

ClinVar aggregate classification (germline): Uncertain significance (1 of 4 stars; one submission).

Conditions:
Spastic paraplegia. Identifiers: MedGen C0037772, HP:0001258.

Allele frequency attached by ClinVar (database versions not stated): TOPMed below 0.00001.

Submission:

Labcorp Genetics (formerly Invitae), Labcorp
Classification: Uncertain significance for Spastic paraplegia. Last evaluated: 2021-10-19. Review status: criteria provided, single submitter. Criteria: Invitae Variant Classification Sherloc (09022015). Collection method: clinical testing. Allele origin: germline.
Comment: In summary, the available evidence is currently insufficient to determine the role of this variant in disease. Therefore, it has been classified as a Variant of Uncertain Significance. Advanced modeling of protein sequence and biophysical properties (such as structural, functional, and spatial information, amino acid conservation, physicochemical variation, residue mobility, and thermodynamic stability) performed at Invitae indicates that this missense variant is not expected to disrupt KIF5A protein function. This variant has not been reported in the literature in individuals affected with KIF5A-related conditions. This variant is not present in population databases (ExAC no frequency). This sequence change replaces serine with glycine at codon 540 of the KIF5A protein (p.Ser540Gly). The serine residue is highly conserved and there is a small physicochemical difference between serine and glycine.